The following is an entry in ClinVar:

ClinVar aggregate classification (germline): Pathogenic (1 of 4 stars; one submission).

Conditions:
Congenital contractural arachnodactyly (CCA). Also called: BEALS SYNDROME; Beals-Hecht syndrome; Arthrogryposis, distal, type 9. Identifiers: Orphanet 115, MedGen C0220668, MONDO:0007363, OMIM 121050.

Submission:

Labcorp Genetics (formerly Invitae), Labcorp
Classification: Pathogenic for Congenital contractural arachnodactyly. Last evaluated: 2023-09-15. Review status: criteria provided, single submitter. Criteria: Invitae Variant Classification Sherloc (09022015). Collection method: clinical testing. Allele origin: germline.
Comment: For these reasons, this variant has been classified as Pathogenic. This variant affects a cysteine residue located within an epidermal growth factor (EGF)–like domain of the FBN2 protein. Cysteine residues in these domains are involved in the formation of disulfide bridges critical for protein structure and stability (PMID: 3495735, 4750422, 16677079). In addition, missense substitutions within the FBN2 EGF-like domains affecting cysteine residues are overrepresented in patients with congenital contractural arachnodactyly (PMID: 18767143). Advanced modeling of protein sequence and biophysical properties (such as structural, functional, and spatial information, amino acid conservation, physicochemical variation, residue mobility, and thermodynamic stability) performed at Invitae indicates that this missense variant is expected to disrupt FBN2 protein function. This missense change has been observed in individual(s) with clinical features of congenital contractural arachnodactyly (Invitae). This variant is not present in population databases (gnomAD no frequency). This sequence change replaces cysteine, which is neutral and slightly polar, with tyrosine, which is neutral and polar, at codon 1257 of the FBN2 protein (p.Cys1257Tyr). This variant disrupts the p.Cys1257 amino acid residue in FBN2. Other variant(s) that disrupt this residue have been observed in individuals with FBN2-related conditions (PMID: 27196565; Invitae), which suggests that this may be a clinically significant amino acid residue.

Literature cited by the submitters: PubMed 3495735; PubMed 4750422; PubMed 16677079; PubMed 18767143; PubMed 27196565.

NM_001999.4(FBN2):c.3770G>A (p.Cys1257Tyr)

Gene: FBN2 (fibrillin 2; minus strand). Cytogenetic location: 5q23.3.
Variant type: single nucleotide variant.
Coding change: c.3770G>A on transcript NM_001999.4 (MANE Select); coding-DNA position 3770, G replaced by A.
Protein change: p.Cys1257Tyr; replaces cysteine 1257 with tyrosine.
Molecular consequence: missense variant.
Genome position (GRCh38, 1-based): chr5:128,335,532, C>T on the plus strand (G>A on the coding strand, the complement: FBN2 is on the minus strand). VCF-style: chr5-128335532-C-T. GRCh37 (hg19) VCF-style: chr5-127671224-C-T.
Other names: short protein forms C1257Y.
Identifiers: ClinVar variation 2760917 (VCV002760917.3), dbSNP rs2479801867, ClinGen allele CA360758064.